The following is an entry in ClinVar:

ClinVar aggregate classification (germline): Pathogenic (1 of 4 stars; one submission).

Conditions:
Hereditary breast ovarian cancer syndrome. Also called: Hereditary breast and ovarian cancer syndrome; Hereditary breast and/or ovarian cancer syndrome; Hereditary breast and ovarian cancer syndrome (HBOC); Breast and ovarian cancer; BRCA1- and BRCA2-Associated Hereditary Breast and Ovarian Cancer; Hereditary breast and ovarian cancer. Identifiers: Orphanet 145, MedGen C0677776, MeSH D061325, MONDO:0003582. Disease mechanism: loss of function.

Submission:

Labcorp Genetics (formerly Invitae), Labcorp
Classification: Pathogenic for Hereditary breast ovarian cancer syndrome. Last evaluated: 2023-11-25. Review status: criteria provided, single submitter. Criteria: Invitae Variant Classification Sherloc (09022015). Collection method: clinical testing. Allele origin: germline.
Comment: This variant is a gross deletion of the genomic region encompassing exon(s) 1-11 of the BRCA1 gene, which includes the initiator codon. This deletion extends beyond the assayed region for this gene and therefore may encompass additional genes. It is expected to result in an absent or disrupted protein product. Loss-of-function variants in BRCA1 are known to be pathogenic (PMID: 20104584). A similar copy number variant has been observed in individual(s) with breast and/or ovarian cancer (PMID: 16551709, 20232141, 21404118, 28595730). This variant is also known as deletions of exons 1-12. For these reasons, this variant has been classified as Pathogenic.

Literature cited by the submitters: PubMed 20104584; PubMed 16551709; PubMed 20232141; PubMed 21404118; PubMed 28595730.

NC_000017.11:g.(?_43090924)_(43125483_?)del

Genes: BRCA1 (BRCA1 DNA repair associated; minus strand), LOC111589216 (BRCA1 intron 2 regulatory region; plus strand), LOC126862571 (BRD4-independent group 4 enhancer GRCh37_chr17:41243136-41244335; plus strand), LOC110485084 (BRCA1 intronic recombination region; plus strand), LOC111589215 (BRCA1 promoter region; plus strand). Cytogenetic location: 17q21.31.
Variant type: Deletion.
Identifiers: ClinVar variation 583429 (VCV000583429.4).